The following is an entry in ClinVar:

ClinVar aggregate classification (germline): Uncertain significance (1 of 4 stars; one submission).

Conditions:
Cardiovascular phenotype. Identifiers: MedGen CN230736.

Submission:

Ambry Genetics
Classification: Uncertain significance for Cardiovascular phenotype. Last evaluated: 2026-08-23. Review status: criteria provided, single submitter. Criteria: Ambry Variant Classification Scheme 2023. Collection method: clinical testing. Allele origin: germline.
Comment: The p.S18T variant (also known as c.53G>C), located in coding exon 1 of the ENG gene, results from a G to C substitution at nucleotide position 53. The serine at codon 18 is replaced by threonine, an amino acid with similar properties. This amino acid position is conserved. In addition, this alteration is predicted to be tolerated by in silico analysis. Based on the available evidence, the clinical significance of this variant remains unclear.

NM_001114753.3(ENG):c.53G>C (p.Ser18Thr)

Gene: ENG (endoglin; minus strand). Cytogenetic location: 9q34.11.
Variant type: single nucleotide variant.
Coding change: c.53G>C on transcript NM_001114753.3 (MANE Select); coding-DNA position 53, G replaced by C.
Protein change: p.Ser18Thr; replaces serine 18 with threonine.
Molecular consequence: missense variant.
Genome position (GRCh38, 1-based): chr9:127,854,303, C>G on the plus strand (G>C on the coding strand, the complement: ENG is on the minus strand). VCF-style: chr9-127854303-C-G. GRCh37 (hg19) VCF-style: chr9-130616582-C-G.
Other names: c.53G>C, p.Ser18Thr (NM_000118.4, NM_001406715.1); short protein forms S18T.
Identifiers: ClinVar variation 5035984 (VCV005035984.1).
Genomic context (GRCh38, chr9:127,854,303, plus strand): 5'-TGCACCGGAGGCCGAGTCTCCCCACCCTGGGTCCCTGGACACCTACTTGTGGGGCTGAGG[C>G]TGCAGCTGGCCAGCAGCAGGGCAACAGCCAGAGGGAGCGTGCCGCGGTCCATGCTGTCCA-3'
Protein context (NP_001108225.1, residues 8-28): LAVALLLASC[Ser18Thr]LSPTSLAETV